The following is an entry in ClinVar:

ClinVar aggregate classification (germline): Uncertain significance (1 of 4 stars; one submission).

Conditions:
Cardiovascular phenotype. Identifiers: MedGen CN230736.

Submission:

Ambry Genetics
Classification: Uncertain significance for Cardiovascular phenotype. Last evaluated: 2025-01-06. Review status: criteria provided, single submitter. Criteria: Ambry Variant Classification Scheme 2023. Collection method: clinical testing. Allele origin: germline.
Comment: The p.S779C variant (also known as c.2336C>G), located in coding exon 10 of the MYPN gene, results from a C to G substitution at nucleotide position 2336. The serine at codon 779 is replaced by cysteine, an amino acid with dissimilar properties. This amino acid position is conserved. In addition, this alteration is predicted to be tolerated by in silico analysis. Based on the available evidence, the clinical significance of this variant remains unclear.

NM_032578.4(MYPN):c.2336C>G (p.Ser779Cys)

Gene: MYPN (myopalladin; plus strand). Cytogenetic location: 10q21.3.
Variant type: single nucleotide variant.
Coding change: c.2336C>G on transcript NM_032578.4 (MANE Select); coding-DNA position 2336, C replaced by G.
Protein change: p.Ser779Cys; replaces serine 779 with cysteine.
Molecular consequence: missense variant. On other transcripts: non-coding transcript variant (2).
Genome position (GRCh38, 1-based): chr10:68,174,428, C>G. VCF-style: chr10-68174428-C-G. GRCh37 (hg19) VCF-style: chr10-69934185-C-G.
Other names: c.2336C>G, p.Ser779Cys (NM_001256267.2); c.1454C>G, p.Ser485Cys (NM_001256268.2); short protein forms S485C, S779C.
Identifiers: ClinVar variation 3877251 (VCV003877251.1).